The following is an entry in ClinVar:

ClinVar aggregate classification (germline): Uncertain significance. Review status: criteria provided, multiple submitters, no conflicts (2 of 4 stars). 2 submissions from 2 submitters: Uncertain significance (2). Last evaluated 2025-09-15.

Conditions:
Inborn genetic diseases. Identifiers: MedGen C0950123, MeSH D030342.

gnomAD v4.1: 5 of 1,455,038 alleles (0.00034%); highest among the groups gnomAD compares: African/African-American, 0.0014%; no homozygotes.

Submissions (2):

Labcorp Genetics (formerly Invitae), Labcorp
Classification: Uncertain significance. Last evaluated: 2025-09-15. Review status: criteria provided, single submitter. Criteria: Invitae Variant Classification Sherloc (09022015). Collection method: clinical testing. Allele origin: germline.
Comment: This sequence change replaces aspartic acid, which is acidic and polar, with glycine, which is neutral and non-polar, at codon 473 of the CD2AP protein (p.Asp473Gly). This variant is present in population databases (no rsID available, gnomAD 0.03%). This variant has not been reported in the literature in individuals affected with CD2AP-related conditions. ClinVar contains an entry for this variant (Variation ID: 3998169). An algorithm developed to predict the effect of missense changes on protein structure and function (PolyPhen-2) suggests that this variant is likely to be disruptive. In summary, the available evidence is currently insufficient to determine the role of this variant in disease. Therefore, it has been classified as a Variant of Uncertain Significance.

Ambry Genetics
Classification: Uncertain significance for Inborn genetic diseases. Last evaluated: 2025-03-26. Review status: criteria provided, single submitter. Criteria: Ambry Variant Classification Scheme 2023. Collection method: clinical testing. Allele origin: germline.

NM_012120.3(CD2AP):c.1418A>G (p.Asp473Gly)

Gene: CD2AP (CD2 associated protein; plus strand). Cytogenetic location: 6p12.3.
Variant type: single nucleotide variant.
Coding change: c.1418A>G on transcript NM_012120.3 (MANE Select); coding-DNA position 1418, A replaced by G.
Protein change: p.Asp473Gly; replaces aspartic acid 473 with glycine.
Molecular consequence: missense variant.
Genome position (GRCh38, 1-based): chr6:47,606,165, A>G. VCF-style: chr6-47606165-A-G. GRCh37 (hg19) VCF-style: chr6-47573901-A-G.
Other names: short protein forms D473G.
Identifiers: ClinVar variation 3998169 (VCV003998169.2).